The following is an entry in ClinVar:

NM_003239.5(TGFB3):c.1009A>G (p.Lys337Glu)

Gene: TGFB3 (transforming growth factor beta 3; minus strand). Cytogenetic location: 14q24.3.
Variant type: single nucleotide variant.
Coding change: c.1009A>G on transcript NM_003239.5 (MANE Select); coding-DNA position 1009, A replaced by G.
Protein change: p.Lys337Glu; replaces lysine 337 with glutamic acid.
Molecular consequence: missense variant.
Genome position (GRCh38, 1-based): chr14:75,960,994, T>C on the plus strand (A>G on the coding strand, the complement: TGFB3 is on the minus strand). VCF-style: chr14-75960994-T-C. GRCh37 (hg19) VCF-style: chr14-76427337-T-C.
Other names: c.1009A>G, p.Lys337Glu (NM_001329939.2); short protein forms K337E.
Identifiers: ClinVar variation 3806407 (VCV003806407.1).

ClinVar aggregate classification (germline): Uncertain significance (1 of 4 stars; one submission).

Conditions:
Familial thoracic aortic aneurysm and aortic dissection (TAAD). Also called: Thoracic aortic aneurysms and dissections. Identifiers: Orphanet 91387, MedGen C4707243, MONDO:0019625.

Submission:

Ambry Genetics
Classification: Uncertain significance for Familial thoracic aortic aneurysm and aortic dissection. Last evaluated: 2025-01-28. Review status: criteria provided, single submitter. Criteria: Ambry Variant Classification Scheme 2023. Collection method: clinical testing. Allele origin: germline.
Comment: The p.K337E variant (also known as c.1009A>G), located in coding exon 6 of the TGFB3 gene, results from an A to G substitution at nucleotide position 1009. The lysine at codon 337 is replaced by glutamic acid, an amino acid with similar properties. This amino acid position is conserved. In addition, this alteration is predicted to be tolerated by in silico analysis. Based on the available evidence, the clinical significance of this variant remains unclear.